The following is an entry in ClinVar:

ClinVar aggregate classification (germline): Uncertain significance (1 of 4 stars; one submission).

Conditions:
Werner syndrome (WRN). Identifiers: Orphanet 902, MedGen C0043119, MONDO:0010196, OMIM 277700.

Allele frequency attached by ClinVar (database versions not stated): gnomAD exomes below 0.00001 and 0.00001.
gnomAD v4.1: 5 of 1,613,824 alleles (0.00031%); highest among the groups gnomAD compares: Non-Finnish European, 0.00034%; no homozygotes.

Submission:

Labcorp Genetics (formerly Invitae), Labcorp
Classification: Uncertain significance for Werner syndrome. Last evaluated: 2023-12-07. Review status: criteria provided, single submitter. Criteria: Invitae Variant Classification Sherloc (09022015). Collection method: clinical testing. Allele origin: germline.
Comment: This sequence change replaces histidine, which is basic and polar, with aspartic acid, which is acidic and polar, at codon 945 of the WRN protein (p.His945Asp). This variant is present in population databases (no rsID available, gnomAD 0.002%). This variant has not been reported in the literature in individuals affected with WRN-related conditions. ClinVar contains an entry for this variant (Variation ID: 1063312). Algorithms developed to predict the effect of missense changes on protein structure and function output the following: SIFT: "Not Available"; PolyPhen-2: "Benign"; Align-GVGD: "Not Available". The aspartic acid amino acid residue is found in multiple mammalian species, which suggests that this missense change does not adversely affect protein function. In summary, the available evidence is currently insufficient to determine the role of this variant in disease. Therefore, it has been classified as a Variant of Uncertain Significance.

NM_000553.6(WRN):c.2833C>G (p.His945Asp)

Gene: WRN (WRN RecQ like helicase; plus strand). Cytogenetic location: 8p12.
Variant type: single nucleotide variant.
Coding change: c.2833C>G on transcript NM_000553.6 (MANE Select); coding-DNA position 2833, C replaced by G.
Protein change: p.His945Asp; replaces histidine 945 with aspartic acid.
Molecular consequence: missense variant.
Genome position (GRCh38, 1-based): chr8:31,132,372, C>G. VCF-style: chr8-31132372-C-G. GRCh37 (hg19) VCF-style: chr8-30989888-C-G.
Other names: short protein forms H945D.
Identifiers: ClinVar variation 1063312 (VCV001063312.5), dbSNP rs1354237583, ClinGen allele CA370918716.